The following is an entry in ClinVar:

ClinVar aggregate classification (germline): Uncertain significance. Review status: criteria provided, multiple submitters, no conflicts (2 of 4 stars). 3 submissions from 3 submitters: Uncertain significance (3). Last evaluated 2024-03-12.

Conditions:
Ehlers-Danlos syndrome, classic type, 1 (EDSCL1). Also called: Ehlers-Danlos Syndrome, Classic Type, COL5A1-Related; EDS I; Ehlers-Danlos syndrome, type 1; EHLERS-DANLOS SYNDROME, GRAVIS TYPE; EHLERS-DANLOS SYNDROME, SEVERE CLASSIC TYPE. Identifiers: MedGen C0268335, MONDO:0019567, OMIM 130000.
Familial thoracic aortic aneurysm and aortic dissection (TAAD). Also called: Thoracic aortic aneurysms and dissections. Identifiers: Orphanet 91387, MedGen C4707243, MONDO:0019625.

Allele frequency attached by ClinVar (database versions not stated): ExAC 0.00001; gnomAD 0.00001; TOPMed 0.00001; ESP Exome Variant Server 0.00008; gnomAD exomes below 0.00001.
gnomAD v4.1: 7 of 1,613,474 alleles (0.00043%); highest among the groups gnomAD compares: Non-Finnish European, 0.00059%; no homozygotes.

Submissions (3):

Labcorp Genetics (formerly Invitae), Labcorp
Classification: Uncertain significance for Ehlers-Danlos syndrome, classic type, 1. Last evaluated: 2024-03-12. Review status: criteria provided, single submitter. Criteria: Invitae Variant Classification Sherloc (09022015). Collection method: clinical testing. Allele origin: germline.
Comment: This sequence change replaces glycine, which is neutral and non-polar, with serine, which is neutral and polar, at codon 546 of the COL5A2 protein (p.Gly546Ser). This variant is present in population databases (rs369506320, gnomAD 0.0009%). This missense change has been observed in individual(s) with clinical features of COL5A2-related conditions (PMID: 34265140). ClinVar contains an entry for this variant (Variation ID: 575975). Advanced modeling of protein sequence and biophysical properties (such as structural, functional, and spatial information, amino acid conservation, physicochemical variation, residue mobility, and thermodynamic stability) performed at Invitae indicates that this missense variant is expected to disrupt COL5A2 protein function with a positive predictive value of 80%. In summary, the available evidence is currently insufficient to determine the role of this variant in disease. Therefore, it has been classified as a Variant of Uncertain Significance.

GeneDx
Classification: Uncertain significance. Last evaluated: 2019-10-21. Review status: criteria provided, single submitter. Criteria: GeneDx Variant Classification Process June 2021. Collection method: clinical testing. Allele origin: germline. Affected: yes.
Comment: Not observed at a significant frequency in large population cohorts (Lek et al., 2016); In silico analysis, which includes protein predictors and evolutionary conservation, supports a deleterious effect; Has not been previously published as pathogenic or benign to our knowledge

Ambry Genetics
Classification: Uncertain significance for Familial thoracic aortic aneurysm and aortic dissection. Last evaluated: 2019-06-28. Review status: criteria provided, single submitter. Criteria: Ambry Variant Classification Scheme 2023. Collection method: clinical testing. Allele origin: germline.
Comment: The p.G546S variant (also known as c.1636G>A), located in coding exon 25 of the COL5A2 gene, results from a G to A substitution at nucleotide position 1636. The glycine at codon 546 is replaced by serine, an amino acid with similar properties. Internal structural analysis indicates that this alteration disrupts the characteristic G-X-Y motif of the triple helical domain in the COL5A2 protein and inserts a bulky side chain into a sterically-constrained region (Bella J et al. Science. 1994;266:75-81; Hohenester E et al. Proc. Natl. Acad. Sci.U.S.A. 2008;105:18273-7; Ambry internal data). Glycine substitutions in the triple helical domain of COL5A2 have been reported in association with classic Ehlers-Danlos syndrome (cEDS), but the number of affected individuals is limited and several other COL5A2 glycine substitutions in the triple helical domain (e.g., p.G951E and p.G831A) are too common for disease in population databases (Symoens S et al. Hum. Mutat., 2012 Oct;33:1485-93; Ritelli M et al. Orphanet J Rare Dis. 2013 Apr;8:58). This amino acid position is highly conserved in available vertebrate species. In addition, this alteration is predicted to be deleterious by in silico analysis. Since supporting evidence is limited at this time, the clinical significance of this alteration remains unclear.

Literature cited by the submitters: PubMed 34265140 (cited by Labcorp Genetics (formerly Invitae), Labcorp).

NM_000393.5(COL5A2):c.1636G>A (p.Gly546Ser)

Gene: COL5A2 (collagen type V alpha 2 chain; minus strand). Cytogenetic location: 2q32.2.
Variant type: single nucleotide variant.
Coding change: c.1636G>A on transcript NM_000393.5 (MANE Select); coding-DNA position 1636, G replaced by A.
Protein change: p.Gly546Ser; replaces glycine 546 with serine.
Molecular consequence: missense variant.
Genome position (GRCh38, 1-based): chr2:189,064,637, C>T on the plus strand (G>A on the coding strand, the complement: COL5A2 is on the minus strand). VCF-style: chr2-189064637-C-T. GRCh37 (hg19) VCF-style: chr2-189929363-C-T.
Other names: short protein forms G546S.
Identifiers: ClinVar variation 575975 (VCV000575975.14), dbSNP rs369506320, ClinGen allele CA2022625.